The following is an entry in ClinVar:

NM_002528.7(NTHL1):c.585C>A (p.Asp195Glu)

Gene: NTHL1 (nth like DNA glycosylase 1; minus strand). Cytogenetic location: 16p13.3.
Variant type: single nucleotide variant.
Coding change: c.585C>A on transcript NM_002528.7 (MANE Select); coding-DNA position 585, C replaced by A.
Protein change: p.Asp195Glu; replaces aspartic acid 195 with glutamic acid.
Molecular consequence: missense variant.
Genome position (GRCh38, 1-based): chr16:2,043,667, G>T on the plus strand (C>A on the coding strand, the complement: NTHL1 is on the minus strand). VCF-style: chr16-2043667-G-T. GRCh37 (hg19) VCF-style: chr16-2093668-G-T.
Other names: c.414C>A, p.Asp138Glu (NM_001318193.2); c.255C>A, p.Asp85Glu (NM_001318194.2); short protein forms D138E, D195E, D85E.
Identifiers: ClinVar variation 3721220 (VCV003721220.2).

ClinVar aggregate classification (germline): Uncertain significance (1 of 4 stars; one submission).

Submission:

Labcorp Genetics (formerly Invitae), Labcorp
Classification: Uncertain significance. Last evaluated: 2025-09-28. Review status: criteria provided, single submitter. Criteria: Invitae Variant Classification Sherloc (09022015). Collection method: clinical testing. Allele origin: germline.
Comment: This sequence change replaces aspartic acid, which is acidic and polar, with glutamic acid, which is acidic and polar, at codon 203 of the NTHL1 protein (p.Asp203Glu). This variant is not present in population databases (gnomAD no frequency). This variant has not been reported in the literature in individuals affected with NTHL1-related conditions. ClinVar contains an entry for this variant (Variation ID: 3721220). An algorithm developed to predict the effect of missense changes on protein structure and function (PolyPhen-2) suggests that this variant is likely to be disruptive. In summary, the available evidence is currently insufficient to determine the role of this variant in disease. Therefore, it has been classified as a Variant of Uncertain Significance.